The following is an entry in ClinVar:

NM_032816.5(CEP89):c.520G>A (p.Glu174Lys)

Gene: CEP89 (centrosomal protein 89; minus strand). Cytogenetic location: 19q13.11.
Variant type: single nucleotide variant.
Coding change: c.520G>A on transcript NM_032816.5 (MANE Select); coding-DNA position 520, G replaced by A.
Protein change: p.Glu174Lys; replaces glutamic acid 174 with lysine.
Molecular consequence: missense variant.
Genome position (GRCh38, 1-based): chr19:32,948,341, C>T on the plus strand (G>A on the coding strand, the complement: CEP89 is on the minus strand). VCF-style: chr19-32948341-C-T. GRCh37 (hg19) VCF-style: chr19-33439247-C-T.
Other names: c.520G>A (NM_032816.3); short protein forms E174K.
Identifiers: ClinVar variation 1350293 (VCV001350293.7), dbSNP rs1453189963, ClinGen allele CA405208784.
Genomic context (GRCh38, chr19:32,948,341, plus strand): 5'-GCTGTGGTGCAGGAGGGGAGCCTGGAAACCCATCTTGATGAGAAATATTTTCATCGTCTT[C>T]ACTGTTCACCTCATGTAACAATGGCACCTTTTTGTTATAAAAGACAAAGGAGCAAAAAAG-3'
Protein context (NP_116205.3, residues 164-184): QVPLLHEVNS[Glu174Lys]DDENISHQDG

ClinVar aggregate classification (germline): Uncertain significance. Review status: criteria provided, multiple submitters, no conflicts (2 of 4 stars). 2 submissions from 2 submitters: Uncertain significance (2). Last evaluated 2025-04-03.

Allele frequency attached by ClinVar (database versions not stated): gnomAD exomes below 0.00001 and 0.00001; TOPMed 0.00002; gnomAD 0.00004.
gnomAD v4.1: 9 of 1,610,758 alleles (0.00056%); highest among the groups gnomAD compares: African/African-American, 0.012%; no homozygotes.

Submissions (2):

Ambry Genetics
Classification: Uncertain significance. Last evaluated: 2025-04-03. Review status: criteria provided, single submitter. Criteria: Ambry Variant Classification Scheme 2023. Collection method: clinical testing. Allele origin: germline.

Labcorp Genetics (formerly Invitae), Labcorp
Classification: Uncertain significance. Last evaluated: 2022-12-06. Review status: criteria provided, single submitter. Criteria: Invitae Variant Classification Sherloc (09022015). Collection method: clinical testing. Allele origin: germline.
Comment: In summary, the available evidence is currently insufficient to determine the role of this variant in disease. Therefore, it has been classified as a Variant of Uncertain Significance. Algorithms developed to predict the effect of missense changes on protein structure and function output the following: SIFT: "Tolerated"; PolyPhen-2: "Benign"; Align-GVGD: "Class C0". The lysine amino acid residue is found in multiple mammalian species, which suggests that this missense change does not adversely affect protein function. ClinVar contains an entry for this variant (Variation ID: 1350293). This variant has not been reported in the literature in individuals affected with CEP89-related conditions. This variant is present in population databases (no rsID available, gnomAD 0.007%). This sequence change replaces glutamic acid, which is acidic and polar, with lysine, which is basic and polar, at codon 174 of the CEP89 protein (p.Glu174Lys).